The following is an entry in ClinVar:

NM_032806.6(POMGNT2):c.1291G>A (p.Val431Ile)

Gene: POMGNT2 (protein O-linked mannose N-acetylglucosaminyltransferase 2 (beta 1,4-); minus strand). Cytogenetic location: 3p22.1.
Variant type: single nucleotide variant.
Coding change: c.1291G>A on transcript NM_032806.6 (MANE Select); coding-DNA position 1291, G replaced by A.
Protein change: p.Val431Ile; replaces valine 431 with isoleucine.
Molecular consequence: missense variant.
Genome position (GRCh38, 1-based): chr3:43,080,141, C>T on the plus strand (G>A on the coding strand, the complement: POMGNT2 is on the minus strand). VCF-style: chr3-43080141-C-T. GRCh37 (hg19) VCF-style: chr3-43121633-C-T.
Other names: short protein forms V431I.
Identifiers: ClinVar variation 2072374 (VCV002072374.2), dbSNP rs201446071, ClinGen allele CA2339885.

ClinVar aggregate classification (germline): Uncertain significance (1 of 4 stars; one submission).

Conditions:
Muscular dystrophy-dystroglycanopathy (congenital with brain and eye anomalies), type a, 8 (MDDGA8). Also called: WALKER-WARBURG SYNDROME OR MUSCLE-EYE-BRAIN DISEASE, GTDC2-RELATED. Identifiers: Orphanet 899, MedGen C3553813, MONDO:0013904, OMIM 614830.

Allele frequency attached by ClinVar (database versions not stated): gnomAD exomes 0.00001; ExAC 0.00002; TOPMed 0.00003; gnomAD 0.00004; ESP Exome Variant Server 0.00008; 1000 Genomes Project 30x 0.00016; 1000 Genomes Project 0.00020.

Submission:

Labcorp Genetics (formerly Invitae), Labcorp
Classification: Uncertain significance for Muscular dystrophy-dystroglycanopathy (congenital with brain and eye anomalies), type a, 8. Last evaluated: 2021-12-23. Review status: criteria provided, single submitter. Criteria: Invitae Variant Classification Sherloc (09022015). Collection method: clinical testing. Allele origin: germline.
Comment: In summary, the available evidence is currently insufficient to determine the role of this variant in disease. Therefore, it has been classified as a Variant of Uncertain Significance. Algorithms developed to predict the effect of missense changes on protein structure and function are either unavailable or do not agree on the potential impact of this missense change (SIFT: "Deleterious"; PolyPhen-2: "Probably Damaging"; Align-GVGD: "Class C0"). This variant has not been reported in the literature in individuals affected with POMGNT2-related conditions. This variant is present in population databases (rs201446071, gnomAD 0.004%). This sequence change replaces valine, which is neutral and non-polar, with isoleucine, which is neutral and non-polar, at codon 431 of the POMGNT2 protein (p.Val431Ile).